The following is an entry in ClinVar:

ClinVar aggregate classification (germline): Uncertain significance. Review status: criteria provided, multiple submitters, no conflicts (2 of 4 stars). 2 submissions from 2 submitters: Uncertain significance (2). Last evaluated 2025-10-02.

gnomAD v4.1: 10 of 1,613,428 alleles (0.00062%); highest among the groups gnomAD compares: South Asian, 0.0044%; no homozygotes.

Submissions (2):

Labcorp Genetics (formerly Invitae), Labcorp
Classification: Uncertain significance. Last evaluated: 2025-10-02. Review status: criteria provided, single submitter. Criteria: Invitae Variant Classification Sherloc (09022015). Collection method: clinical testing. Allele origin: germline.
Comment: This sequence change replaces arginine, which is basic and polar, with histidine, which is basic and polar, at codon 448 of the LIPG protein (p.Arg448His). This variant is present in population databases (no rsID available, gnomAD 0.007%). This variant has not been reported in the literature in individuals affected with LIPG-related conditions. ClinVar contains an entry for this variant (Variation ID: 3538481). An algorithm developed to predict the effect of missense changes on protein structure and function (PolyPhen-2) suggests that this variant is likely to be tolerated. In summary, the available evidence is currently insufficient to determine the role of this variant in disease. Therefore, it has been classified as a Variant of Uncertain Significance.

Ambry Genetics
Classification: Uncertain significance. Last evaluated: 2024-07-15. Review status: criteria provided, single submitter. Criteria: Ambry Variant Classification Scheme 2023. Collection method: clinical testing. Allele origin: germline.

NM_006033.4(LIPG):c.1343G>A (p.Arg448His)

Gene: LIPG (lipase G, endothelial type; plus strand). Cytogenetic location: 18q21.1.
Variant type: single nucleotide variant.
Coding change: c.1343G>A on transcript NM_006033.4 (MANE Select); coding-DNA position 1343, G replaced by A.
Protein change: p.Arg448His; replaces arginine 448 with histidine.
Molecular consequence: missense variant.
Genome position (GRCh38, 1-based): chr18:49,583,741, G>A. VCF-style: chr18-49583741-G-A. GRCh37 (hg19) VCF-style: chr18-47110111-G-A.
Other names: c.1121G>A, p.Arg374His (NM_001308006.2); short protein forms R374H, R448H.
Identifiers: ClinVar variation 3538481 (VCV003538481.2).